The following is an entry in ClinVar:

ClinVar aggregate classification (germline): Uncertain significance. Review status: criteria provided, multiple submitters, no conflicts (2 of 4 stars). 2 submissions from 2 submitters: Uncertain significance (2). Last evaluated 2025-11-26.

Conditions:
Inborn genetic diseases. Identifiers: MedGen C0950123, MeSH D030342.

gnomAD v4.1: 29 of 1,614,220 alleles (0.0018%); highest among the groups gnomAD compares: South Asian, 0.032%; 1 homozygote.

Submissions (2):

Ambry Genetics
Classification: Uncertain significance for Inborn genetic diseases. Last evaluated: 2025-11-26. Review status: criteria provided, single submitter. Criteria: Ambry Variant Classification Scheme 2023. Collection method: clinical testing. Allele origin: germline.

GeneDx
Classification: Uncertain significance. Last evaluated: 2024-12-13. Review status: criteria provided, single submitter. Criteria: GeneDx Variant Classification Process June 2021. Collection method: clinical testing. Allele origin: germline. Affected: yes.
Comment: In silico analysis supports that this missense variant has a deleterious effect on protein structure/function; Has not been previously published as pathogenic or benign to our knowledge

NM_000392.5(ABCC2):c.3892G>A (p.Gly1298Ser)

Gene: ABCC2 (ATP binding cassette subfamily C member 2; plus strand). Cytogenetic location: 10q24.2.
Variant type: single nucleotide variant.
Coding change: c.3892G>A on transcript NM_000392.5 (MANE Select); coding-DNA position 3892, G replaced by A.
Protein change: p.Gly1298Ser; replaces glycine 1298 with serine.
Molecular consequence: missense variant.
Genome position (GRCh38, 1-based): chr10:99,844,370, G>A. VCF-style: chr10-99844370-G-A. GRCh37 (hg19) VCF-style: chr10-101604127-G-A.
Other names: c.3892G>A (NM_000392.3); short protein forms G1298S.
Identifiers: ClinVar variation 3906666 (VCV003906666.2).
Genomic context (GRCh38, chr10:99,844,370, plus strand): 5'-TCTCCTTGCCAGGCACCCTGGGTGACTGATAAGAGGCCTCCGCCAGATTGGCCCAGCAAA[G>A]GCAAGATCCAGTTTAACAACTACCAAGTGCGGTACCGACCTGAGCTGGATCTGGTCCTCA-3'
Protein context (NP_000383.2, residues 1288-1308): KRPPPDWPSK[Gly1298Ser]KIQFNNYQVR